The following is an entry in ClinVar:

NM_001378609.3(OTOGL):c.3263A>G (p.Asp1088Gly)

Gene: OTOGL (otogelin like; plus strand). Cytogenetic location: 12q21.31.
Variant type: single nucleotide variant.
Coding change: c.3263A>G on transcript NM_001378609.3 (MANE Select); coding-DNA position 3263, A replaced by G.
Protein change: p.Asp1088Gly; replaces aspartic acid 1088 with glycine.
Molecular consequence: missense variant.
Genome position (GRCh38, 1-based): chr12:80,305,625, A>G. VCF-style: chr12-80305625-A-G. GRCh37 (hg19) VCF-style: chr12-80699405-A-G.
Other names: c.3128A>G, p.Asp1043Gly (NM_001368062.3); c.3263A>G, p.Asp1088Gly (NM_001378610.3, NM_173591.7); short protein forms D1079G, D1043G, D1088G.
Identifiers: ClinVar variation 229116 (VCV000229116.17), dbSNP rs12422945, ClinGen allele CA6701002.
Genomic context (GRCh38, chr12:80,305,625, plus strand): 5'-TCTTACTTTAGAACAAGCTATCAGGATTGTGTGGAAACTTTGACAAATGCACTTCAAATG[A>G]TATGACCACATCTAATAACTTGGAAGTGAGAAATGCTCGGGTATTTGGAGATAGTTGGGC-3'
Protein context (NP_001365538.2, residues 1078-1098): CGNFDKCTSN[Asp1088Gly]MTTSNNLEVR

ClinVar aggregate classification (germline): Conflicting classifications of pathogenicity. Review status: criteria provided, conflicting classifications (1 of 4 stars). 4 submissions from 4 submitters: Uncertain significance (2); Likely benign (2). Last evaluated 2026-03-25.

Conditions:
OTOGL-related disorder. Also called: OTOGL-related condition.

Allele frequency attached by ClinVar (database versions not stated): gnomAD 0.00002; gnomAD exomes 0.00005 and 0.00027; TOPMed 0.00009; ExAC 0.00030.
gnomAD v4.1: 70 of 1,582,842 alleles (0.0044%); highest among the groups gnomAD compares: Admixed American, 0.12%; no homozygotes.

Submissions (4):

PreventionGenetics, part of Exact Sciences
Classification: Likely benign for OTOGL-related condition. Last evaluated: 2026-03-25. Review status: criteria provided, single submitter. Criteria: ACMG Guidelines, 2015. Collection method: clinical testing. Allele origin: germline.
Comment: This variant is classified as likely benign based on ACMG/AMP sequence variant interpretation guidelines (Richards et al. 2015 PMID: 25741868, with internal and published modifications).

Labcorp Genetics (formerly Invitae), Labcorp
Classification: Likely benign. Last evaluated: 2025-12-10. Review status: criteria provided, single submitter. Criteria: Invitae Variant Classification Sherloc (09022015). Collection method: clinical testing. Allele origin: germline.

GeneDx
Classification: Uncertain significance. Last evaluated: 2024-06-11. Review status: criteria provided, single submitter. Criteria: GeneDx Variant Classification Process June 2021. Collection method: clinical testing. Allele origin: germline. Affected: yes.
Comment: In silico analysis supports that this missense variant has a deleterious effect on protein structure/function; Has not been previously published as pathogenic or benign to our knowledge

Laboratory for Molecular Medicine, Mass General Brigham Personalized Medicine
Classification: Uncertain significance. Last evaluated: 2015-04-27. Review status: criteria provided, single submitter. Criteria: LMM Criteria. Collection method: clinical testing. Allele origin: germline. Observed: 3 variant alleles.
Comment: Variant classified as Uncertain Significance - Favor Benign. The p.Asp1079Gly va riant in OTOGL has not been previously reported in individuals with hearing loss , but has been identified in 0.30% (34/11244) of Latino chromosomes by the Exome Aggregation Consortium (ExAC; dbSNP rs12422945) . Computational prediction tools and conservation analyses do not provide strong support for or against an impact to the protein. In summary, while the clinical significance of the p.Asp1079Gly variant is uncertain, its frequency in the Lat ino population suggests that it is more likely to be benign.